The following is an entry in ClinVar:

NM_144599.5(NIPA1):c.620A>G (p.Lys207Arg)

Gene: NIPA1 (NIPA magnesium transporter 1; plus strand). Cytogenetic location: 15q11.2.
Variant type: single nucleotide variant.
Coding change: c.620A>G on transcript NM_144599.5 (MANE Select); coding-DNA position 620, A replaced by G.
Protein change: p.Lys207Arg; replaces lysine 207 with arginine.
Molecular consequence: missense variant.
Genome position (GRCh38, 1-based): chr15:22,823,869, A>G. VCF-style: chr15-22823869-A-G. GRCh37 (hg19) VCF-style: chr15-23049199-T-C.
Other names: c.395A>G, p.Lys132Arg (NM_001142275.1); short protein forms K132R, K207R.
Identifiers: ClinVar variation 3381570 (VCV003381570.1).

ClinVar aggregate classification (germline): Uncertain significance (1 of 4 stars; one submission).

Submission:

GeneDx
Classification: Uncertain significance. Last evaluated: 2024-05-21. Review status: criteria provided, single submitter. Criteria: GeneDx Variant Classification Process June 2021. Collection method: clinical testing. Allele origin: germline. Affected: yes.
Comment: Not observed at significant frequency in large population cohorts (gnomAD); In silico analysis supports that this missense variant has a deleterious effect on protein structure/function; Has not been previously published as pathogenic or benign to our knowledge